The following is an entry in ClinVar:

ClinVar aggregate classification (germline): Uncertain significance (1 of 4 stars; one submission).

Conditions:
Familial thoracic aortic aneurysm and aortic dissection (TAAD). Also called: Thoracic aortic aneurysms and dissections. Identifiers: Orphanet 91387, MedGen C4707243, MONDO:0019625.

gnomAD v4.1: 2 of 1,613,912 alleles (0.00012%); highest among the groups gnomAD compares: Non-Finnish European, 0.00017%; no homozygotes.

Submission:

Color Diagnostics, LLC DBA Color Health
Classification: Uncertain significance for Familial thoracic aortic aneurysm and aortic dissection. Last evaluated: 2025-09-14. Review status: criteria provided, single submitter. Criteria: ACMG Guidelines, 2015. Collection method: clinical testing. Allele origin: germline.
Comment: This missense variant replaces lysine with glutamine at codon 662 of the COL3A1 protein. Computational prediction suggests that this variant may not impact protein structure and function. To our knowledge, functional studies have not been reported for this variant. This variant has not been reported in individuals affected with COL3A1-related disorders in the literature. This variant has not been identified in the general population by the Genome Aggregation Database (gnomAD). The available evidence is insufficient to determine the role of this variant in disease conclusively. Therefore, this variant is classified as a Variant of Uncertain Significance.

NM_000090.4(COL3A1):c.1984A>C (p.Lys662Gln)

Gene: COL3A1 (collagen type III alpha 1 chain; plus strand). Cytogenetic location: 2q32.2.
Variant type: single nucleotide variant.
Coding change: c.1984A>C on transcript NM_000090.4 (MANE Select); coding-DNA position 1984, A replaced by C.
Protein change: p.Lys662Gln; replaces lysine 662 with glutamine.
Molecular consequence: missense variant.
Genome position (GRCh38, 1-based): chr2:188,998,680, A>C. VCF-style: chr2-188998680-A-C. GRCh37 (hg19) VCF-style: chr2-189863406-A-C.
Other names: short protein forms K662Q.
Identifiers: ClinVar variation 4756415 (VCV004756415.1).
Genomic context (GRCh38, chr2:188,998,680, plus strand): 5'-TTTACATAAAATGCACTCTGATATGGGCCTAATCATATAATGCCAATCTCCCAGGGTCCA[A>C]AGGGTGATGCCGGTGCACCTGGAGCTCCAGGAGGCAAGGTAGTATTTCAATTTATTCTCT-3'
Protein context (NP_000081.2, residues 652-672): ENGKPGEPGP[Lys662Gln]GDAGAPGAPG